The following is an entry in ClinVar:

NM_014846.4(WASHC5):c.1876G>T (p.Val626Phe)

Gene: WASHC5 (WASH complex subunit 5; minus strand). Cytogenetic location: 8q24.13.
Variant type: single nucleotide variant.
Coding change: c.1876G>T on transcript NM_014846.4 (MANE Select); coding-DNA position 1876, G replaced by T.
Protein change: p.Val626Phe; replaces valine 626 with phenylalanine.
Molecular consequence: missense variant.
Genome position (GRCh38, 1-based): chr8:125,056,817, C>A on the plus strand (G>T on the coding strand, the complement: WASHC5 is on the minus strand). VCF-style: chr8-125056817-C-A. GRCh37 (hg19) VCF-style: chr8-126069059-C-A.
Other names: c.1432G>T, p.Val478Phe (NM_001330609.2); short protein forms V626F, V478F.
Identifiers: ClinVar variation 1161 (VCV000001161.40), dbSNP rs80338867, ClinGen allele CA339873.

ClinVar aggregate classification (germline): Pathogenic/Likely pathogenic. Review status: criteria provided, multiple submitters, no conflicts (2 of 4 stars). 12 submissions from 12 submitters: Pathogenic (5); Likely pathogenic (5). 2 of the submissions do not count toward it. Last evaluated 2024-11-19.

Conditions:
KIAA0196 & WASHC5-related disorders.
Inborn genetic diseases. Identifiers: MedGen C0950123, MeSH D030342.
Ritscher-Schinzel syndrome. Also called: CRANIOCEREBELLOCARDIAC DYSPLASIA. Identifiers: Orphanet 7, MedGen C0796137, MONDO:0019078.
Hereditary spastic paraplegia 8 (SPG8). Also called: SPASTIC PARAPLEGIA 8, AUTOSOMAL DOMINANT. Identifiers: Orphanet 100989, MedGen C1863704, MONDO:0011339, OMIM 603563.
Hereditary spastic paraplegia. Also called: Familial spastic paraparesis. Identifiers: Orphanet 685, MedGen C0037773, MONDO:0019064. Disease mechanism: loss of function.

Allele frequency attached by ClinVar (database versions not stated): gnomAD exomes below 0.00001.
gnomAD v4.1: 1 of 1,614,098 alleles (0.000062%); highest among the groups gnomAD compares: Non-Finnish European, 0.000085%; no homozygotes.

Submissions (12):

Mayo Clinic Laboratories, Mayo Clinic
Classification: Pathogenic. Last evaluated: 2024-11-19. Review status: criteria provided, single submitter. Criteria: ACMG Guidelines, 2015. Collection method: clinical testing. Allele origin: germline. Observed: 1 variant allele.
Comment: PP1_strong, PP3, PM2_supporting, PS3_moderate, PS4_moderate

Labcorp Genetics (formerly Invitae), Labcorp
Classification: Pathogenic for Ritscher-Schinzel syndrome; Hereditary spastic paraplegia 8. Last evaluated: 2024-08-27. Review status: criteria provided, single submitter. Criteria: Invitae Variant Classification Sherloc (09022015). Collection method: clinical testing. Allele origin: germline.
Comment: This sequence change replaces valine, which is neutral and non-polar, with phenylalanine, which is neutral and non-polar, at codon 626 of the WASHC5 protein (p.Val626Phe). This variant is not present in population databases (gnomAD no frequency). This missense change has been observed in individual(s) with hereditary spastic paraplegia (PMID: 17160902). It has also been observed to segregate with disease in related individuals. ClinVar contains an entry for this variant (Variation ID: 1161). An algorithm developed to predict the effect of missense changes on protein structure and function (PolyPhen-2) suggests that this variant is likely to be disruptive. Experimental studies have shown that this missense change affects WASHC5 function (PMID: 17160902). For these reasons, this variant has been classified as Pathogenic.

CeGaT Center for Human Genetics Tuebingen
Classification: Likely pathogenic. Last evaluated: 2024-07-01. Review status: criteria provided, single submitter. Criteria: CeGaT Center For Human Genetics Tuebingen Variant Classification Criteria Version 2. Collection method: clinical testing. Allele origin: germline. Affected: yes. Observed: 1 variant allele.
Comment: WASHC5: PP1:Strong, PM2, PS4:Moderate, PP3

Blueprint Genetics
Classification: Pathogenic for KIAA0196 & WASHC5-related disorders. Last evaluated: 2024-03-14. Review status: criteria provided, single submitter. Criteria: ACMG Guidelines, 2015. Collection method: clinical testing. Allele origin: germline. Affected: yes. Observed: 4 variant alleles.

Ambry Genetics
Classification: Likely pathogenic for Inborn genetic diseases. Last evaluated: 2023-04-11. Review status: criteria provided, single submitter. Criteria: Ambry Variant Classification Scheme 2023. Collection method: clinical testing. Allele origin: germline.
Comment: The c.1876G>T (p.V626F) alteration is located in exon 16 (coding exon 15) of the WASHC5 gene. This alteration results from a G to T substitution at nucleotide position 1876, causing the valine (V) at amino acid position 626 to be replaced by a phenylalanine (F). This variant impacts the first base pair of coding exon 15. This variant is expected to be causative of WASHC5-related spastic paraplegia; however, its clinical significance for Ritscher-Schinzel syndrome is unclear. This variant was not reported in population-based cohorts in the Genome Aggregation Database (gnomAD). This variant has been previously reported in the heterozygous state in multiple individuals with hereditary spastic paraplegia (Valdmanis, 2007). This amino acid position is highly conserved in available vertebrate species. Functional evidence suggests that p.V626F impacts protein function and CAV1-dependent, integrin-mediated cell adhesion; however, the physiological relevance of these findings is unclear (Valdmanis, 2007; Freeman, 2013; Lee, 2020). This alteration is predicted to be deleterious by in silico analysis. Based on the available evidence, this alteration is classified as likely pathogenic.

3billion
Classification: Likely pathogenic for Hereditary spastic paraplegia 8. Last evaluated: 2023-02-23. Review status: criteria provided, single submitter. Criteria: ACMG Guidelines, 2015. Collection method: clinical testing. Allele origin: unknown. Affected: yes.
Comment: The variant is not observed in the gnomAD v2.1.1 dataset. Missense changes are a common disease-causing mechanism. In silico tool predictions suggest damaging effect of the variant on gene or gene product (REVEL: 0.94; 3Cnet: 0.94). Same nucleotide change resulting in same amino acid change has been previously reported as pathogenic/likely pathogenic with strong evidence (ClinVar ID: VCV000001161). Therefore, this variant is classified as Likely pathogenic according to the recommendation of ACMG/AMP guideline.

GeneDx
Classification: Likely pathogenic. Last evaluated: 2023-02-13. Review status: criteria provided, single submitter. Criteria: GeneDx Variant Classification Process June 2021. Collection method: clinical testing. Allele origin: germline. Affected: yes.
Comment: Published functional studies demonstrate discrepant effects of this variant on endosomal tubulation (Freeman et al., 2013; Lee et al., 2020) and protein interactions (Valdmanis et al., 2007; Huttlin et al., 2017); Not observed at significant frequency in large population cohorts (gnomAD); In silico analysis supports that this missense variant has a deleterious effect on protein structure/function; This variant is associated with the following publications: (PMID: 34184482, 25525159, 30072228, 24451228, 23881105, 35667337, 26659599, 26147798, 28569743, 28514442, 31911435, 26973516, 17160902, 28181327, 20301727, 34312900, 30061306, 23085491)

Athena Diagnostics
Classification: Pathogenic. Last evaluated: 2022-10-07. Review status: criteria provided, single submitter. Criteria: Athena Diagnostics Criteria. Collection method: clinical testing. Allele origin: unknown.
Comment: This variant segregates with spastic paraplegia in multiple families. This variant has not been reported in large, multi-ethnic general populations. Assessment of experimental evidence suggests this variant results in abnormal protein function. See PMID: 17160902, 31911435.

Genome Diagnostics Laboratory, The Hospital for Sick Children
Classification: Likely pathogenic for Hereditary spastic paraplegia. Last evaluated: 2021-10-13. Review status: criteria provided, single submitter. Criteria: ACMG Guidelines, 2015. Collection method: clinical testing. Allele origin: germline. Affected: yes.

Paris Brain Institute, Inserm - ICM
Classification: Pathogenic for Hereditary spastic paraplegia 8. Review status: criteria provided, single submitter. Criteria: ACMG Guidelines, 2015. Collection method: clinical testing. Allele origin: unknown. Affected: yes. Observed: 2 variant alleles.

OMIM
Classification: Pathogenic for SPASTIC PARAPLEGIA 8, AUTOSOMAL DOMINANT. Last evaluated: 2007-01-01. Review status: no assertion criteria provided. Collection method: literature only. Allele origin: germline. Not counted in ClinVar's aggregate classification.

GeneReviews
No classification provided. Condition: Hereditary spastic paraplegia 8. Review status: no classification provided. Collection method: literature only. Allele origin: unknown. Not counted in ClinVar's aggregate classification.

Literature cited by the submitters: PubMed 17160902 (cited by 6 submitters); PubMed 20833645 (cited by Mayo Clinic Laboratories, Mayo Clinic and Ambry Genetics); PubMed 23085491 (cited by 3 submitters); PubMed 25525159 (cited by Mayo Clinic Laboratories, Mayo Clinic); PubMed 28514442 (cited by Mayo Clinic Laboratories, Mayo Clinic and Athena Diagnostics); PubMed 31911435 (cited by 3 submitters); PubMed 34234304 (cited by Mayo Clinic Laboratories, Mayo Clinic); PubMed 34983064 (cited by Mayo Clinic Laboratories, Mayo Clinic); PubMed 37179679 (cited by Mayo Clinic Laboratories, Mayo Clinic); PubMed 37392480 (cited by Mayo Clinic Laboratories, Mayo Clinic); PubMed 34184482 (cited by Athena Diagnostics); PubMed 20301727 (cited by GeneReviews); NCBI Bookshelf NBK1827 (cited by GeneReviews).